The following is an entry in ClinVar:

ClinVar aggregate classification (germline): Conflicting classifications of pathogenicity. Review status: criteria provided, conflicting classifications (1 of 4 stars). 3 submissions from 3 submitters: Pathogenic (2); Uncertain significance (1). Last evaluated 2026-07-01.

Conditions:
Glycogen storage disease, type II (IOPD). Also called: CARDIOMEGALIA GLYCOGENICA DIFFUSA; GLYCOGENOSIS, GENERALIZED, CARDIAC FORM; GSD II; Glycogen storage disease type 2; Acid maltase deficiency disease; Aglucosidase alfa. Identifiers: Orphanet 365, MedGen C0017921, MONDO:0009290, OMIM 232300.

Submissions (3):

Genomenon, Inc
Classification: Uncertain significance for Glycogen storage disease, type II. Last evaluated: 2026-07-01. Review status: criteria provided, single submitter. Criteria: Genomenon Sequence Variant Interpretation Standards - Updated. Collection method: curation. Allele origin: germline. Affected: yes.
Comment: GAA p.Ser800Ile (c.2399G>T) is a missense variant that changes the amino acid at codon 800 from Serine to Isoleucine. This variant has been observed in at least one proband with a GAA-related disorder in the compound heterozygous and/or homozygous state (PMID:36105079). It is absent or not present at a significant frequency in gnomAD. In silico models predict that this variant is possibly or probably damaging. In conclusion, we classify GAA p.Ser800Ile (c.2399G>T) as a variant of uncertain significance.

Women's Health and Genetics/Laboratory Corporation of America, LabCorp
Classification: Pathogenic for Glycogen storage disease, type II. Last evaluated: 2025-09-11. Review status: criteria provided, single submitter. Criteria: LabCorp Variant Classification Summary - May 2015. Collection method: clinical testing. Allele origin: germline.
Comment: Variant summary: GAA c.2399G>T (p.Ser800Ile) results in a non-conservative amino acid change in the encoded protein sequence. Algorithms developed to predict the effect of missense changes on protein structure and function all suggest that this variant is likely to be disruptive. The variant was absent in 248488 control chromosomes. c.2399G>T has been observed in individual(s) affected with Glycogen storage disease, type II (examples: Dong_2022, internal data). These data indicate that the variant is very likely to be associated with the disease. The following publication has been ascertained in the context of this evaluation (PMID: 36105079). ClinVar contains an entry for this variant (Variation ID: 2747737). Based on the evidence outlined above, the variant was classified as pathogenic.

Labcorp Genetics (formerly Invitae), Labcorp
Classification: Pathogenic for Glycogen storage disease, type II. Last evaluated: 2023-09-07. Review status: criteria provided, single submitter. Criteria: Invitae Variant Classification Sherloc (09022015). Collection method: clinical testing. Allele origin: germline.
Comment: This missense change has been observed in individual(s) with Pompe disease (PMID: 36105079; Invitae). In at least one individual the data is consistent with being in trans (on the opposite chromosome) from a pathogenic variant. This variant is not present in population databases (gnomAD no frequency). This sequence change replaces serine, which is neutral and polar, with isoleucine, which is neutral and non-polar, at codon 800 of the GAA protein (p.Ser800Ile). Advanced modeling of protein sequence and biophysical properties (such as structural, functional, and spatial information, amino acid conservation, physicochemical variation, residue mobility, and thermodynamic stability) performed at Invitae indicates that this missense variant is expected to disrupt GAA protein function. For these reasons, this variant has been classified as Pathogenic.

Literature cited by the submitters: PubMed 36105079 (cited by 3 submitters).

NM_000152.5(GAA):c.2399G>T (p.Ser800Ile)

Gene: GAA (alpha glucosidase; plus strand). Cytogenetic location: 17q25.3.
Variant type: single nucleotide variant.
Coding change: c.2399G>T on transcript NM_000152.5 (MANE Select); coding-DNA position 2399, G replaced by T.
Protein change: p.Ser800Ile; replaces serine 800 with isoleucine.
Molecular consequence: missense variant.
Genome position (GRCh38, 1-based): chr17:80,117,667, G>T. VCF-style: chr17-80117667-G-T. GRCh37 (hg19) VCF-style: chr17-78091466-G-T.
Other names: c.2399G>T, p.Ser800Ile (NM_001079803.3, NM_001079804.3, NM_001406741.1 and 1 more transcripts); short protein forms S800I.
Identifiers: ClinVar variation 2747737 (VCV002747737.5), dbSNP rs2510399260, ClinGen allele CA401325096.
Genomic context (GRCh38, chr17:80,117,667, plus strand): 5'-TAGAGGCCCTTGGCAGCCTCCCACCCCCACCTGCAGCTCCCCGTGAGCCAGCCATCCACA[G>T]CGAGGGGCAGTGGGTGACGCTGCCGGCCCCCCTGGACACCATCAACGTCCACCTCCGGGC-3'
Protein context (NP_000143.2, residues 790-810): PAAPREPAIH[Ser800Ile]EGQWVTLPAP